The following is an entry in ClinVar:

ClinVar aggregate classification (germline): Uncertain significance (1 of 4 stars; one submission).

Conditions:
Hereditary cancer-predisposing syndrome. Also called: Neoplastic Syndromes, Hereditary; Tumor predisposition; Hereditary Cancer Syndrome; Hereditary neoplastic syndrome. Identifiers: Orphanet 140162, MedGen C0027672, MeSH D009386, MONDO:0015356.

Submission:

Ambry Genetics
Classification: Uncertain significance for Hereditary cancer-predisposing syndrome. Last evaluated: 2025-09-30. Review status: criteria provided, single submitter. Criteria: Ambry Variant Classification Scheme 2023. Collection method: clinical testing. Allele origin: germline.
Comment: The p.D400Y variant (also known as c.1198G>T), located in coding exon 7 of the PDGFRA gene, results from a G to T substitution at nucleotide position 1198. The aspartic acid at codon 400 is replaced by tyrosine, an amino acid with highly dissimilar properties. This amino acid position is well conserved in available vertebrate species. In addition, this alteration is predicted to be deleterious by in silico analysis. Based on the available evidence, the clinical significance of this variant remains unclear.

NM_006206.6(PDGFRA):c.1198G>T (p.Asp400Tyr)

Gene: PDGFRA (platelet derived growth factor receptor alpha; plus strand). Cytogenetic location: 4q12.
Variant type: single nucleotide variant.
Coding change: c.1198G>T on transcript NM_006206.6 (MANE Select); coding-DNA position 1198, G replaced by T.
Protein change: p.Asp400Tyr; replaces aspartic acid 400 with tyrosine.
Molecular consequence: missense variant.
Genome position (GRCh38, 1-based): chr4:54,270,709, G>T. VCF-style: chr4-54270709-G-T. GRCh37 (hg19) VCF-style: chr4-55136876-G-T.
Other names: c.1198G>T, p.Asp400Tyr (NM_001347827.2, NM_001347829.2); c.1273G>T, p.Asp425Tyr (NM_001347828.2); c.1237G>T, p.Asp413Tyr (NM_001347830.2); short protein forms D413Y, D425Y, D400Y.
Identifiers: ClinVar variation 4665088 (VCV004665088.1).
Genomic context (GRCh38, chr4:54,270,709, plus strand): 5'-AAGCTGATCCGTGCTAAGGAAGAAGACAGTGGCCATTATACTATTGTAGCTCAAAATGAA[G>T]ATGCTGTGAAGAGCTATACTTTTGAACTGTTAACTCAAGGTATGTAAAGGGAGTATAAAG-3'
Protein context (NP_006197.1, residues 390-410): GHYTIVAQNE[Asp400Tyr]AVKSYTFELL